The following is an entry in ClinVar:

ClinVar aggregate classification (germline): Uncertain significance (1 of 4 stars; one submission).

Allele frequency attached by ClinVar (database versions not stated): gnomAD 0.00001; gnomAD exomes 0.00001; TOPMed 0.00001.
gnomAD v4.1: 13 of 1,251,798 alleles (0.001%); highest among the groups gnomAD compares: Admixed American, 0.0044%; no homozygotes.

Submission:

Labcorp Genetics (formerly Invitae), Labcorp
Classification: Uncertain significance. Last evaluated: 2025-01-13. Review status: criteria provided, single submitter. Criteria: Invitae Variant Classification Sherloc (09022015). Collection method: clinical testing. Allele origin: germline.
Comment: This sequence change replaces glycine, which is neutral and non-polar, with serine, which is neutral and polar, at codon 114 of the PKDCC protein (p.Gly114Ser). The frequency data for this variant in the population databases is considered unreliable, as metrics indicate insufficient coverage at this position in the gnomAD database. This variant has not been reported in the literature in individuals affected with PKDCC-related conditions. ClinVar contains an entry for this variant (Variation ID: 1503219). An algorithm developed to predict the effect of missense changes on protein structure and function outputs the following: PolyPhen-2: "Benign". The serine amino acid residue is found in multiple mammalian species, which suggests that this missense change does not adversely affect protein function. In summary, the available evidence is currently insufficient to determine the role of this variant in disease. Therefore, it has been classified as a Variant of Uncertain Significance.

NM_138370.3(PKDCC):c.340G>A (p.Gly114Ser)

Gene: PKDCC (protein kinase domain containing, cytoplasmic; plus strand). Cytogenetic location: 2p21.
Variant type: single nucleotide variant.
Coding change: c.340G>A on transcript NM_138370.3 (MANE Select); coding-DNA position 340, G replaced by A.
Protein change: p.Gly114Ser; replaces glycine 114 with serine.
Molecular consequence: missense variant.
Genome position (GRCh38, 1-based): chr2:42,048,539, G>A. VCF-style: chr2-42048539-G-A. GRCh37 (hg19) VCF-style: chr2-42275679-G-A.
Other names: short protein forms G114S.
Identifiers: ClinVar variation 1503219 (VCV001503219.7), dbSNP rs1667911403, ClinGen allele CA346622963.